The following is an entry in ClinVar:

NM_001005242.3(PKP2):c.1355T>A (p.Leu452Ter)

Gene: PKP2 (plakophilin 2; minus strand). Cytogenetic location: 12p11.21.
Variant type: single nucleotide variant.
Coding change: c.1355T>A on transcript NM_001005242.3 (MANE Select); coding-DNA position 1355, T replaced by A.
Protein change: p.Leu452Ter; replaces leucine 452 with a stop codon.
Molecular consequence: nonsense.
Genome position (GRCh38, 1-based): chr12:32,850,789, A>T on the plus strand (T>A on the coding strand, the complement: PKP2 is on the minus strand). VCF-style: chr12-32850789-A-T. GRCh37 (hg19) VCF-style: chr12-33003723-A-T.
Other names: c.1355T>A, p.Leu452Ter (NM_001407155.1, NM_001407156.1, NM_001407157.1 and 2 more transcripts); c.1028T>A, p.Leu343Ter (NM_001407158.1, NM_001407159.1, NM_001407160.1 and 1 more transcripts); short protein forms L452*, L343*.
Identifiers: ClinVar variation 3721115 (VCV003721115.2).

ClinVar aggregate classification (germline): Pathogenic (1 of 4 stars; one submission).

Conditions:
Arrhythmogenic right ventricular dysplasia 9 (ARVD9). Also called: Arrhythmogenic Right Ventricular Dysplasia/Cardiomyopathy 9; ARRHYTHMOGENIC RIGHT VENTRICULAR DYSPLASIA, FAMILIAL, 9. Identifiers: MedGen C1836906, MONDO:0012180, OMIM 609040.

Submission:

Labcorp Genetics (formerly Invitae), Labcorp
Classification: Pathogenic for Arrhythmogenic right ventricular dysplasia 9. Last evaluated: 2026-01-19. Review status: criteria provided, single submitter. Criteria: Invitae Variant Classification Sherloc (09022015). Collection method: clinical testing. Allele origin: germline.
Comment: This sequence change creates a premature translational stop signal (p.Leu452*) in the PKP2 gene. It is expected to result in an absent or disrupted protein product. Loss-of-function variants in PKP2 are known to be pathogenic (PMID: 15489853, 17041889, 23911551). This variant is not present in population databases (gnomAD no frequency). This premature translational stop signal has been observed in individual(s) with clinical features of arrhythmogenic cardiomyopathy (PMID: 24704780). ClinVar contains an entry for this variant (Variation ID: 3721115). Algorithms developed to predict the effect of sequence changes on RNA splicing suggest that this variant may disrupt the consensus splice site. For these reasons, this variant has been classified as Pathogenic.

Literature cited by the submitters: PubMed 15489853; PubMed 17041889; PubMed 23911551; PubMed 24704780.